The following is an entry in ClinVar:

NM_017763.6(RNF43):c.341G>T (p.Arg114Leu)

Gene: RNF43 (ring finger protein 43; minus strand). Cytogenetic location: 17q22.
Variant type: single nucleotide variant.
Coding change: c.341G>T on transcript NM_017763.6 (MANE Select); coding-DNA position 341, G replaced by T.
Protein change: p.Arg114Leu; replaces arginine 114 with leucine.
Molecular consequence: missense variant.
Genome position (GRCh38, 1-based): chr17:58,370,945, C>A on the plus strand (G>T on the coding strand, the complement: RNF43 is on the minus strand). VCF-style: chr17-58370945-C-A. GRCh37 (hg19) VCF-style: chr17-56448306-C-A.
Other names: c.341G>T (NM_017763.4); c.341G>T, p.Arg114Leu (NM_001305544.3); c.-41G>T (NM_001305545.2); short protein forms R114L.
Identifiers: ClinVar variation 3765096 (VCV003765096.3).

ClinVar aggregate classification (germline): Uncertain significance. Review status: criteria provided, multiple submitters, no conflicts (2 of 4 stars). 3 submissions from 3 submitters: Uncertain significance (3). Last evaluated 2025-05-20.

Conditions:
Sessile serrated polyposis cancer syndrome (SSPCS). Identifiers: Orphanet 157798, MedGen C4310714, MONDO:0014919, OMIM 617108.

gnomAD v4.1: 8 of 1,608,808 alleles (0.0005%); highest among the groups gnomAD compares: Non-Finnish European, 0.00068%; no homozygotes.

Submissions (3):

Ambry Genetics
Classification: Uncertain significance. Last evaluated: 2025-05-20. Review status: criteria provided, single submitter. Criteria: Ambry Variant Classification Scheme 2023. Collection method: clinical testing. Allele origin: germline.
Comment: The p.R114L variant (also known as c.341G>T), located in coding exon 2 of the RNF43 gene, results from a G to T substitution at nucleotide position 341. The arginine at codon 114 is replaced by leucine, an amino acid with dissimilar properties. This amino acid position is conserved. In addition, this alteration is predicted to be tolerated by in silico analysis. Based on the available evidence, the clinical significance of this variant remains unclear.

Center for Genomic Medicine, Rigshospitalet, Copenhagen University Hospital
Classification: Uncertain significance. Last evaluated: 2025-03-04. Review status: criteria provided, single submitter. Criteria: ACMG Guidelines, 2015. Collection method: clinical testing. Allele origin: germline.

Department of Pathology and Laboratory Medicine, Sinai Health System
Classification: Uncertain significance for Sessile serrated polyposis cancer syndrome. Last evaluated: 2025-01-07. Review status: criteria provided, single submitter. Criteria: ACMG Guidelines, 2015. Collection method: clinical testing. Allele origin: germline.